The following is an entry in ClinVar:

ClinVar aggregate classification (germline): Uncertain significance (1 of 4 stars; one submission).

gnomAD v4.1: 3 of 1,606,828 alleles (0.00019%); highest among the groups gnomAD compares: African/African-American, 0.004%; no homozygotes.

Submission:

Labcorp Genetics (formerly Invitae), Labcorp
Classification: Uncertain significance. Last evaluated: 2025-11-08. Review status: criteria provided, single submitter. Criteria: Invitae Variant Classification Sherloc (09022015). Collection method: clinical testing. Allele origin: germline.
Comment: This sequence change replaces methionine, which is neutral and non-polar, with leucine, which is neutral and non-polar, at codon 725 of the FGFR3 protein (p.Met725Leu). This variant is not present in population databases (gnomAD no frequency). This variant has not been reported in the literature in individuals affected with FGFR3-related conditions. Invitae Evidence Modeling of protein sequence and biophysical properties (such as structural, functional, and spatial information, amino acid conservation, physicochemical variation, residue mobility, and thermodynamic stability) indicates that this missense variant is not expected to disrupt FGFR3 protein function with a negative predictive value of 95%. In summary, the available evidence is currently insufficient to determine the role of this variant in disease. Therefore, it has been classified as a Variant of Uncertain Significance.

NM_000142.5(FGFR3):c.2173A>C (p.Met725Leu)

Gene: FGFR3 (fibroblast growth factor receptor 3; plus strand). Cytogenetic location: 4p16.3.
Variant type: single nucleotide variant.
Coding change: c.2173A>C on transcript NM_000142.5 (MANE Select); coding-DNA position 2173, A replaced by C.
Protein change: p.Met725Leu; replaces methionine 725 with leucine.
Molecular consequence: missense variant. On other transcripts: non-coding transcript variant (1).
Genome position (GRCh38, 1-based): chr4:1,806,833, A>C. VCF-style: chr4-1806833-A-C. GRCh37 (hg19) VCF-style: chr4-1808560-A-C.
Other names: c.2179A>C, p.Met727Leu (NM_001163213.2); c.2176A>C, p.Met726Leu (NM_001354809.2); c.2105A>C, p.His702Pro (NM_001354810.2); c.1837A>C, p.Met613Leu (NM_022965.4); short protein forms H702P, M726L, M727L, M725L, M613L.
Identifiers: ClinVar variation 4782207 (VCV004782207.1).